The following is an entry in ClinVar:

NM_001034850.3(RETREG1):c.727T>C (p.Tyr243His)

Gene: RETREG1 (reticulophagy regulator 1; minus strand). Cytogenetic location: 5p15.1.
Variant type: single nucleotide variant.
Coding change: c.727T>C on transcript NM_001034850.3 (MANE Select); coding-DNA position 727, T replaced by C.
Protein change: p.Tyr243His; replaces tyrosine 243 with histidine.
Molecular consequence: missense variant.
Genome position (GRCh38, 1-based): chr5:16,478,931, A>G on the plus strand (T>C on the coding strand, the complement: RETREG1 is on the minus strand). VCF-style: chr5-16478931-A-G. GRCh37 (hg19) VCF-style: chr5-16479040-A-G.
Other names: c.304T>C, p.Tyr102His (NM_019000.5); short protein forms Y243H, Y102H.
Identifiers: ClinVar variation 842329 (VCV000842329.10), dbSNP rs1738651185, ClinGen allele CA359258646.

ClinVar aggregate classification (germline): Uncertain significance (1 of 4 stars; one submission).

Allele frequency attached by ClinVar (database versions not stated): gnomAD exomes below 0.00001.
gnomAD v4.1: 1 of 1,612,254 alleles (0.000062%); highest among the groups gnomAD compares: Non-Finnish European, 0.000085%; no homozygotes.

Submission:

Labcorp Genetics (formerly Invitae), Labcorp
Classification: Uncertain significance. Last evaluated: 2019-12-31. Review status: criteria provided, single submitter. Criteria: Invitae Variant Classification Sherloc (09022015). Collection method: clinical testing. Allele origin: germline.
Comment: In summary, the available evidence is currently insufficient to determine the role of this variant in disease. Therefore, it has been classified as a Variant of Uncertain Significance. Algorithms developed to predict the effect of missense changes on protein structure and function are either unavailable or do not agree on the potential impact of this missense change (SIFT: "Tolerated"; PolyPhen-2: "Probably Damaging"; Align-GVGD: "Class C0"). This variant has not been reported in the literature in individuals with RETREG1-related conditions. This variant is not present in population databases (ExAC no frequency). This sequence change replaces tyrosine with histidine at codon 243 of the RETREG1 protein (p.Tyr243His). The tyrosine residue is moderately conserved and there is a moderate physicochemical difference between tyrosine and histidine.